The following is an entry in ClinVar:

NM_000548.5(TSC2):c.3326C>T (p.Pro1109Leu)

Gene: TSC2 (TSC complex subunit 2; plus strand). Cytogenetic location: 16p13.3.
Variant type: single nucleotide variant.
Coding change: c.3326C>T on transcript NM_000548.5 (MANE Select); coding-DNA position 3326, C replaced by T.
Protein change: p.Pro1109Leu; replaces proline 1109 with leucine.
Molecular consequence: missense variant.
Genome position (GRCh38, 1-based): chr16:2,079,598, C>T. VCF-style: chr16-2079598-C-T. GRCh37 (hg19) VCF-style: chr16-2129599-C-T.
Other names: p.P1109L:CCG>CTG; c.3194C>T, p.Pro1065Leu (NM_001077183.3, NM_001370404.1); c.3326C>T, p.Pro1109Leu (NM_001114382.3); c.3086C>T, p.Pro1029Leu (NM_001318827.2); c.3050C>T, p.Pro1017Leu (NM_001318829.2); c.2594C>T, p.Pro865Leu (NM_001318831.2); c.3227C>T, p.Pro1076Leu (NM_001318832.2); c.3197C>T, p.Pro1066Leu (NM_001363528.2, NM_001370405.1, NM_021055.3); short protein forms P1109L, P1017L, P1065L, P1029L, P1066L, P1076L, P865L.
Identifiers: ClinVar variation 207676 (VCV000207676.23), dbSNP rs796053474, ClinGen allele CA319368.
Genomic context (GRCh38, chr16:2,079,598, plus strand): 5'-CGTGGGATTCTCTTCTCAGCTCCAGCCCCGGGGTGCATGTGAGACAGACCAAGGAGGCGC[C>T]GGCCAAGCTGGAGTCCCAGGCTGGGCAGCAGGTGTCCCGTGGGGCCCGGGATCGGGTCCG-3'
Protein context (NP_000539.2, residues 1099-1119): GVHVRQTKEA[Pro1109Leu]AKLESQAGQQ

ClinVar aggregate classification (germline): Conflicting classifications of pathogenicity. Review status: criteria provided, conflicting classifications (1 of 4 stars). 7 submissions from 7 submitters: Uncertain significance (2); Likely benign (5). Last evaluated 2026-04-23.

Conditions:
Lymphangiomyomatosis (LAM). Also called: Lymphangioleiomyomatosis; Lymphangioleiomyomatosis, somatic. Identifiers: Orphanet 538, MedGen C0751674, MONDO:0011705, OMIM 606690.
Isolated focal cortical dysplasia type II (FCORD2). Also called: Focal cortical dysplasia type II; CORTICAL DYSPLASIA OF TAYLOR. Identifiers: Orphanet 268994, MedGen C1846385, MONDO:0011818, OMIM 607341, HP:0032051.
Tuberous sclerosis 2 (TSC2). Identifiers: Orphanet 805, MedGen C1860707, MONDO:0013199, OMIM 613254.
Hereditary cancer-predisposing syndrome. Also called: Tumor predisposition; Hereditary Cancer Syndrome; Hereditary neoplastic syndrome; Neoplastic Syndromes, Hereditary. Identifiers: Orphanet 140162, MedGen C0027672, MeSH D009386, MONDO:0015356.

Allele frequency attached by ClinVar (database versions not stated): gnomAD exomes 0.00001; TOPMed 0.00001.
gnomAD v4.1: 9 of 1,611,516 alleles (0.00056%); highest among the groups gnomAD compares: Admixed American, 0.005%; no homozygotes.

Submissions (7):

Ambry Genetics
Classification: Likely benign for Hereditary cancer-predisposing syndrome. Last evaluated: 2026-04-23. Review status: criteria provided, single submitter. Criteria: Ambry Variant Classification Scheme 2023. Collection method: clinical testing. Allele origin: germline.

St. Jude Molecular Pathology, St. Jude Children's Research Hospital
Classification: Uncertain significance for Tuberous sclerosis 2. Last evaluated: 2026-02-20. Review status: criteria provided, single submitter. Criteria: St. Jude Assertion Criteria 2020. Collection method: clinical testing. Allele origin: germline.
Comment: The TSC2 c.3326C>T p.(Pro1109Leu) missense change is absent in gnomAD v2.1.1. The in silico tool REVEL is inconclusive about a pathogenic or benign effect of this variant on protein function, and to our knowledge functional studies have not been performed. To our knowledge, this variant has not been reported in individuals with tuberous sclerosis complex. In summary, the evidence currently available is insufficient to determ ine the clinical significance of this variant. It has therefore been classified as of uncertain significance.

Labcorp Genetics (formerly Invitae), Labcorp
Classification: Likely benign for Tuberous sclerosis 2. Last evaluated: 2025-12-29. Review status: criteria provided, single submitter. Criteria: Invitae Variant Classification Sherloc (09022015). Collection method: clinical testing. Allele origin: germline.

Quest Diagnostics Nichols Institute San Juan Capistrano
Classification: Uncertain significance. Last evaluated: 2024-05-28. Review status: criteria provided, single submitter. Criteria: Quest Diagnostics criteria. Collection method: clinical testing. Allele origin: unknown.

Fulgent Genetics
Classification: Likely benign for Lymphangiomyomatosis; Isolated focal cortical dysplasia type II; Tuberous sclerosis 2. Last evaluated: 2024-02-14. Review status: criteria provided, single submitter. Criteria: ACMG Guidelines, 2015. Collection method: clinical testing. Allele origin: germline.

Genome-Nilou Lab
Classification: Likely benign for Tuberous sclerosis 2. Last evaluated: 2021-11-07. Review status: criteria provided, single submitter. Criteria: ACMG Guidelines, 2015. Collection method: clinical testing. Allele origin: germline. Affected: no.

GeneDx
Classification: Likely benign. Last evaluated: 2014-03-12. Review status: criteria provided, single submitter. Criteria: GeneDx Variant Classification (06012015). Collection method: clinical testing. Allele origin: germline. Affected: yes.
Comment: This variant is considered likely benign or benign based on one or more of the following criteria: it is a conservative change, it occurs at a poorly conserved position in the protein, it is predicted to be benign by multiple in silico algorithms, and/or has population frequency not consistent with disease.